The following is an entry in ClinVar:

ClinVar aggregate classification (germline): Uncertain significance. Review status: criteria provided, multiple submitters, no conflicts (2 of 4 stars). 2 submissions from 2 submitters: Uncertain significance (2). Last evaluated 2025-02-03.

Conditions:
Neuroblastoma, susceptibility to, 3. Also called: ALK-Related Neuroblastic Tumor Susceptibility. Identifiers: Orphanet 635, MedGen C2751681, MONDO:0013083, OMIM 613014.
Hereditary cancer-predisposing syndrome. Also called: Hereditary Cancer Syndrome; Tumor predisposition; Neoplastic Syndromes, Hereditary; Hereditary neoplastic syndrome. Identifiers: Orphanet 140162, MedGen C0027672, MeSH D009386, MONDO:0015356.

Submissions (2):

Ambry Genetics
Classification: Uncertain significance for Hereditary cancer-predisposing syndrome. Last evaluated: 2025-02-03. Review status: criteria provided, single submitter. Criteria: Ambry Variant Classification Scheme 2023. Collection method: clinical testing. Allele origin: germline.
Comment: The p.G382R variant (also known as c.1144G>C), located in coding exon 4 of the ALK gene, results from a G to C substitution at nucleotide position 1144. The glycine at codon 382 is replaced by arginine, an amino acid with dissimilar properties. This amino acid position is conserved. In addition, this alteration is predicted to be tolerated by in silico analysis. Based on the available evidence, the clinical significance of this variant remains unclear.

Baylor Genetics
Classification: Uncertain significance for Neuroblastoma, susceptibility to, 3. Last evaluated: 2024-01-08. Review status: criteria provided, single submitter. Criteria: ACMG Guidelines, 2015. Collection method: clinical testing. Allele origin: unknown.

NM_004304.5(ALK):c.1144G>C (p.Gly382Arg)

Gene: ALK (ALK receptor tyrosine kinase; minus strand). Cytogenetic location: 2p23.2.
Variant type: single nucleotide variant.
Coding change: c.1144G>C on transcript NM_004304.5 (MANE Select); coding-DNA position 1144, G replaced by C.
Protein change: p.Gly382Arg; replaces glycine 382 with arginine.
Molecular consequence: missense variant.
Genome position (GRCh38, 1-based): chr2:29,531,925, C>G on the plus strand (G>C on the coding strand, the complement: ALK is on the minus strand). VCF-style: chr2-29531925-C-G. GRCh37 (hg19) VCF-style: chr2-29754791-C-G.
Other names: c.1144G>C (NM_004304.4); short protein forms G382R.
Identifiers: ClinVar variation 3241726 (VCV003241726.2), dbSNP rs2465284051.
Genomic context (GRCh38, chr2:29,531,925, plus strand): 5'-AGCCAAATCACCTGGTATAAAATCAATTTTGGACATGGAGAAGTACTTACCCATGCTTCC[C>G]TGGAGTGGGCATCAGGAGGATCTCTCTTGCAGCCTCGTTGTGGGGCAGCAGCTGGGCAAT-3'
Protein context (NP_004295.2, residues 372-392): AREILLMPTP[Gly382Arg]KHGWTVLQGR